The following is an entry in ClinVar:

ClinVar aggregate classification (germline): Likely pathogenic (1 of 4 stars; one submission).

Conditions:
Congenital myotonia, autosomal recessive form. Also called: BECKER DISEASE; Becker Generalized Myotonia; myotonia congenita, autosomal recessive. Identifiers: Orphanet 614, MedGen C0751360, MONDO:0009715, OMIM 255700.
Congenital myotonia, autosomal dominant form (THD). Also called: THOMSEN DISEASE; Myotonia congenita autosomal dominant. Identifiers: Orphanet 614, MedGen C2936781, MONDO:0008055, OMIM 160800.

Submission:

Department Of Human Genetics, Institute Of Clinical And Translational Research, Biomedical Research Center, Slovak Academy Of Sciences
Classification: Likely pathogenic for Congenital myotonia, autosomal recessive form; Congenital myotonia, autosomal dominant form. Review status: criteria provided, single submitter. Criteria: ACMG Guidelines, 2015. Collection method: research. Allele origin: germline. Inheritance: Autosomal unknown. Affected: yes. Observed: 2 variant alleles.
Comment: The c.2364+2T>C variant is listed as a disease-causing in the HGMD database (CS1514222), it is not reported in dbSNP, but it has been published previously (PMID: 26260254). GnomAD Exomes Version: 4.0 indicates the frequency of f = 0.0000315. Another variant has been reported to affect the same nucleotide position, c.2364+2T>A (rs886041384), present also as a disease-causing in the HGMD database (CS971661), and published in PMID: 10215406. In gnomAD ExomesVersion: 4.0 it was found with f = 0.00000549.

Literature cited by the submitters: PubMed 26260254.

NM_000083.3(CLCN1):c.2364+2T>C

Gene: CLCN1 (chloride voltage-gated channel 1; plus strand). Cytogenetic location: 7q34.
Variant type: single nucleotide variant.
Coding change: c.2364+2T>C on transcript NM_000083.3 (MANE Select); the canonical splice donor site of the intron after coding-DNA position 2364, T replaced by C.
Molecular consequence: splice donor variant.
Genome position (GRCh38, 1-based): chr7:143,346,660, T>C. VCF-style: chr7-143346660-T-C. GRCh37 (hg19) VCF-style: chr7-143043753-T-C.
Identifiers: ClinVar variation 3233338 (VCV003233338.1), dbSNP rs886041384, ClinGen allele CA369652353.